The following is an entry in ClinVar:

ClinVar aggregate classification (germline): Likely pathogenic (1 of 4 stars; one submission).

Conditions:
Primary ciliary dyskinesia 3. Identifiers: Orphanet 244, MedGen C1837618, MONDO:0012085, OMIM 608644.

Submission:

Myriad Genetics, Inc.
Classification: Likely pathogenic for Primary ciliary dyskinesia 3. Last evaluated: 2022-03-17. Review status: criteria provided, single submitter. Criteria: Myriad Women's Health Autosomal Recessive and X-Linked Classification Criteria (2021). Collection method: clinical testing. Allele origin: unknown.
Comment: NM_001369.2(DNAH5):c.8685_8686delAA(K2895Nfs*3) is expected to be pathogenic in the context of DNAH5-related primary ciliary dyskinesia. This variant is predicted to lead to an abnormal or absent protein product due to the creation of a premature termination codon in DNAH5, a gene where loss-of-function variants are known to be pathogenic. Please note: this variant was assessed in the context of healthy population screening.

NM_001369.3(DNAH5):c.8685_8686del (p.Lys2895fs)

Gene: DNAH5 (dynein axonemal heavy chain 5; minus strand). Cytogenetic location: 5p15.2.
Variant type: Deletion.
Coding change: c.8685_8686del on transcript NM_001369.3 (MANE Select); coding-DNA positions 8685 to 8686, 2 bases deleted (AA; older notation c.8685_8686delAA).
Protein change: p.Lys2895fs; shifts the reading frame from lysine 2895.
Molecular consequence: frameshift variant.
Genome position (GRCh38, 1-based): chr5:13,786,313-13,786,314, TT deleted on the plus strand (AA on the coding strand, the reverse complement: DNAH5 is on the minus strand); deleting any 2 consecutive bases within chr5:13,786,313-13,786,316 gives the same sequence; the c. name uses the placement nearest the transcript's 3' end. VCF-style (leftmost placement, unchanged base first): chr5-13786312-ATT-A. GRCh37 (hg19) VCF-style: chr5-13786421-ATT-A.
Other names: short protein forms K2895fs.
Identifiers: ClinVar variation 1725356 (VCV001725356.2), dbSNP rs2546713610, ClinGen allele CA2580072000.